The following is an entry in ClinVar:

ClinVar aggregate classification (germline): Uncertain significance (1 of 4 stars; one submission).

Submission:

Labcorp Genetics (formerly Invitae), Labcorp
Classification: Uncertain significance. Last evaluated: 2026-01-06. Review status: criteria provided, single submitter. Criteria: Invitae Variant Classification Sherloc (09022015). Collection method: clinical testing. Allele origin: germline.
Comment: This sequence change replaces valine, which is neutral and non-polar, with isoleucine, which is neutral and non-polar, at codon 98 of the POLR3F protein (p.Val98Ile). This variant is not present in population databases (gnomAD no frequency). This variant has not been reported in the literature in individuals affected with POLR3F-related conditions. Experimental studies and prediction algorithms are not available or were not evaluated, and the functional significance of this variant is currently unknown. In summary, the available evidence is currently insufficient to determine the role of this variant in disease. Therefore, it has been classified as a Variant of Uncertain Significance.

NM_006466.4(POLR3F):c.415G>A (p.Val139Ile)

Gene: POLR3F (RNA polymerase III subunit F; plus strand). Cytogenetic location: 20p11.23.
Variant type: single nucleotide variant.
Coding change: c.415G>A on transcript NM_006466.4 (MANE Select); coding-DNA position 415, G replaced by A.
Protein change: p.Val139Ile; replaces valine 139 with isoleucine.
Molecular consequence: missense variant. On other transcripts: non-coding transcript variant (1).
Genome position (GRCh38, 1-based): chr20:18,475,173, G>A. VCF-style: chr20-18475173-G-A. GRCh37 (hg19) VCF-style: chr20-18455817-G-A.
Other names: c.292G>A, p.Val98Ile (NM_001282526.2); c.415G>A, p.Val139Ile (NM_001410821.1); short protein forms V139I, V98I.
Identifiers: ClinVar variation 4810233 (VCV004810233.1).